The following is an entry in ClinVar:

ClinVar aggregate classification (germline): Uncertain significance (1 of 4 stars; one submission).

Submission:

Labcorp Genetics (formerly Invitae), Labcorp
Classification: Uncertain significance. Last evaluated: 2025-10-13. Review status: criteria provided, single submitter. Criteria: Invitae Variant Classification Sherloc (09022015). Collection method: clinical testing. Allele origin: germline.
Comment: This sequence change replaces phenylalanine, which is neutral and non-polar, with leucine, which is neutral and non-polar, at codon 989 of the ATP1A1 protein (p.Phe989Leu). This variant is not present in population databases (gnomAD no frequency). This variant has not been reported in the literature in individuals affected with ATP1A1-related conditions. ClinVar contains an entry for this variant (Variation ID: 3679664). Invitae Evidence Modeling of protein sequence and biophysical properties (such as structural, functional, and spatial information, amino acid conservation, physicochemical variation, residue mobility, and thermodynamic stability) indicates that this missense variant is not expected to disrupt ATP1A1 protein function with a negative predictive value of 95%. In summary, the available evidence is currently insufficient to determine the role of this variant in disease. Therefore, it has been classified as a Variant of Uncertain Significance.

NM_000701.8(ATP1A1):c.2967C>G (p.Phe989Leu)

Genes: ATP1A1 (ATPase Na+/K+ transporting subunit alpha 1; plus strand), ATP1A1-AS1 (ATP1A1 antisense RNA 1; minus strand). Cytogenetic location: 1p13.1.
Variant type: single nucleotide variant.
Coding change: c.2967C>G on transcript NM_000701.8 (MANE Select); coding-DNA position 2967, C replaced by G.
Protein change: p.Phe989Leu; replaces phenylalanine 989 with leucine.
Molecular consequence: missense variant.
Genome position (GRCh38, 1-based): chr1:116,403,899, C>G. VCF-style: chr1-116403899-C-G. GRCh37 (hg19) VCF-style: chr1-116946521-C-G.
Other names: c.2967C>G, p.Phe989Leu (NM_001160233.2); c.2874C>G, p.Phe958Leu (NM_001160234.2); short protein forms F958L, F989L.
Identifiers: ClinVar variation 3679664 (VCV003679664.2).
Genomic context (GRCh38, chr1:116,403,899, plus strand): 5'-ACTGTGTTCGTGTGCATATAAATTGGTACCTTACTCTATTTCCAGACCTACCTGGTGGTT[C>G]TGTGCCTTCCCCTACTCTCTTCTCATCTTCGTATATGACGAAGTCAGAAAACTCATCATC-3'
Protein context (NP_000692.2, residues 979-999): RMYPLKPTWW[Phe989Leu]CAFPYSLLIF